The following is an entry in ClinVar:

ClinVar aggregate classification (germline): Benign. Review status: criteria provided, multiple submitters, no conflicts (2 of 4 stars). 11 submissions from 11 submitters: Benign (8). 3 of the submissions do not count toward it. Last evaluated 2026-02-03.

Conditions:
Polycystic liver disease 2 (PCLD2). Also called: Polycystic liver disease 2 with or without kidney cysts. Identifiers: Orphanet 2924, MedGen C4310769, MONDO:0014860, OMIM 617004.

Allele frequency attached by ClinVar (database versions not stated): 1000 Genomes Project 0.85503; gnomAD exomes 0.85587 and 0.85882; ExAC 0.85888; 1000 Genomes Project 30x 0.85962; gnomAD 0.86923 and 0.87051; TOPMed 0.87334; ESP Exome Variant Server 0.87537.
gnomAD v4.1: 1,376,255 of 1,605,432 alleles (86%); highest among the groups gnomAD compares: African/African-American, 91%; 591,623 homozygotes.

Submissions (11):

Labcorp Genetics (formerly Invitae), Labcorp
Classification: Benign. Last evaluated: 2026-02-03. Review status: criteria provided, single submitter. Criteria: Invitae Variant Classification Sherloc (09022015). Collection method: clinical testing. Allele origin: germline.

Blueprint Genetics
Classification: Benign. Last evaluated: 2024-11-27. Review status: criteria provided, single submitter. Criteria: ACMG Guidelines, 2015. Collection method: clinical testing. Allele origin: germline.

Mayo Clinic Laboratories, Mayo Clinic
Classification: Benign. Last evaluated: 2022-03-09. Review status: criteria provided, single submitter. Criteria: ACMG Guidelines, 2015. Collection method: clinical testing. Allele origin: germline. Observed: 219 variant alleles.

Genome-Nilou Lab
Classification: Benign for Polycystic liver disease 2. Last evaluated: 2021-07-15. Review status: criteria provided, single submitter. Criteria: ACMG Guidelines, 2015. Collection method: clinical testing. Allele origin: germline. Affected: no.

GeneDx
Classification: Benign. Last evaluated: 2018-11-12. Review status: criteria provided, single submitter. Criteria: GeneDx Variant Classification Process June 2021. Collection method: clinical testing. Allele origin: germline. Affected: yes.

Illumina Laboratory Services, Illumina
Classification: Benign for Polycystic liver disease 2. Last evaluated: 2018-01-12. Review status: criteria provided, single submitter. Criteria: ICSL Variant Classification Criteria 13 December 2019. Collection method: clinical testing. Allele origin: germline.
Comment: This variant was observed in the ICSL laboratory as part of a predisposition screen in an ostensibly healthy population. It had not been previously curated by ICSL or reported in the Human Gene Mutation Database (HGMD: prior to June 1st, 2018), and was therefore a candidate for classification through an automated scoring system. Utilizing variant allele frequency, disease prevalence and penetrance estimates, and inheritance mode, an automated score was calculated to assess if this variant is too frequent to cause the disease. Based on the score and internal cut-off values, a variant classified as benign is not then subjected to further curation. The score for this variant resulted in a classification of benign for this disease.

Eurofins Ntd Llc (ga)
Classification: Benign. Last evaluated: 2014-07-15. Review status: criteria provided, single submitter. Criteria: EGL Classification Definitions 2015. Collection method: clinical testing. Allele origin: germline. Observed: 25 variant alleles, 7 heterozygotes, 18 homozygotes.

PreventionGenetics, part of Exact Sciences
Classification: Benign. Review status: criteria provided, single submitter. Criteria: ACMG Guidelines, 2015. Collection method: clinical testing. Allele origin: germline.

Clinical Genetics DNA and cytogenetics Diagnostics Lab, Erasmus MC, Erasmus Medical Center
Classification: Benign. Review status: no assertion criteria provided. Collection method: clinical testing. Allele origin: germline. Affected: yes. Study: VKGL Data-share Consensus. Not counted in ClinVar's aggregate classification.

Diagnostic Laboratory, Department of Genetics, University Medical Center Groningen
Classification: Benign. Review status: no assertion criteria provided. Collection method: clinical testing. Allele origin: germline. Affected: yes. Study: VKGL Data-share Consensus. Not counted in ClinVar's aggregate classification.

Joint Genome Diagnostic Labs from Nijmegen and Maastricht, Radboudumc and MUMC+
Classification: Benign. Review status: no assertion criteria provided. Collection method: clinical testing. Allele origin: germline. Affected: yes. Study: VKGL Data-share Consensus. Not counted in ClinVar's aggregate classification.

NM_007214.5(SEC63):c.564C>T (p.Asn188=)

Gene: SEC63 (SEC63 protein translocation regulator; minus strand). Cytogenetic location: 6q21.
Variant type: single nucleotide variant.
Coding change: c.564C>T on transcript NM_007214.5 (MANE Select); coding-DNA position 564, C replaced by T.
Protein change: p.Asn188=; no amino-acid change (asparagine 188 retained).
Molecular consequence: synonymous variant.
Genome position (GRCh38, 1-based): chr6:107,912,725, G>A on the plus strand (C>T on the coding strand, the complement: SEC63 is on the minus strand). VCF-style: chr6-107912725-G-A. GRCh37 (hg19) VCF-style: chr6-108233929-G-A.
Other names: p.Asn188=.
Identifiers: ClinVar variation 95474 (VCV000095474.28), dbSNP rs675117, ClinGen allele CA148563.